The following is an entry in ClinVar:

NM_000038.6(APC):c.221-43T>C

Gene: APC (APC regulator of Wnt signaling pathway; plus strand). Cytogenetic location: 5q22.2.
Variant type: single nucleotide variant.
Coding change: c.221-43T>C on transcript NM_000038.6 (MANE Select); 43 bases into the intron before coding-DNA position 221, T replaced by C.
Molecular consequence: intron variant.
Genome position (GRCh38, 1-based): chr5:112,767,146, T>C. VCF-style: chr5-112767146-T-C. GRCh37 (hg19) VCF-style: chr5-112102843-T-C.
Other names: c.-815-43T>C (NM_001407470.1, NM_001407472.1, NM_001354906.2 and 1 more transcripts); c.221-43T>C (NM_001407447.1, NM_001354895.2, NM_001407456.1 and 16 more transcripts); c.251-43T>C (NM_001407446.1, NM_001354897.2, NM_001354902.2 and 1 more transcripts); c.44-43T>C (NM_001407453.1, NM_001354900.2, NM_001354901.2 and 1 more transcripts); c.146-43T>C (NM_001407451.1, NM_001354898.2, NM_001354904.2).
Identifiers: ClinVar variation 4280724 (VCV004280724.1).
Genomic context (GRCh38, chr5:112,767,146, plus strand): 5'-AAAATGTAAACCTAATATTTCACTTTAAAATAATATAACATTAAGAATATTTTAGACTGC[T>C]TAAAGCAATTGTTGTATAAAAACTTGTTTCTATTTTATTTAGAGCTTAACTTAGATAGCA-3'

ClinVar aggregate classification (germline): Likely benign (1 of 4 stars; one submission).

Conditions:
APC-related attenuated familial adenomatous polyposis. Identifiers: MedGen CN276349, MONDO:0016613.

gnomAD v4.1: 110 of 1,464,232 alleles (0.0075%); highest among the groups gnomAD compares: Non-Finnish European, 0.0098%; no homozygotes.

Submission:

Dipartimento Di Medicina Di Precisione, Università Degli Studi Della Campania Luigi Vanvitelli
Classification: Likely benign for APC-related attenuated familial adenomatous polyposis. Last evaluated: 2025-09-26. Review status: criteria provided, single submitter. Criteria: ACMG Guidelines, 2015. Collection method: clinical testing. Allele origin: germline. Inheritance: Autosomal dominant inheritance. Affected: yes. Observed: 1 heterozygote.
Comment: The intronic variant NM_000038.6(APC):c.221-43T>C was reported in the study, 2025 (Prevalence of MUTYH Monoallelic Variants in Patients With Hereditary Cancer Using Multigene Panel Testing), where it was classified as Likely Benign. Computational splicing predictions and population frequency data support a non-pathogenic effect. According to ACMG/AMP guidelines, PM2 (absence in population) and BP4/BP7 (in silico evidence of benign effect) are satisfied. This submission classifies the variant as Likely Benign (LB).

Literature cited by the submitters: DOI 10.1002/cam4.71231.